The following is an entry in ClinVar:

NM_000141.5(FGFR2):c.185G>T (p.Cys62Phe)

Gene: FGFR2 (fibroblast growth factor receptor 2; minus strand). Cytogenetic location: 10q26.13.
Variant type: single nucleotide variant.
Coding change: c.185G>T on transcript NM_000141.5 (MANE Select); coding-DNA position 185, G replaced by T.
Protein change: p.Cys62Phe; replaces cysteine 62 with phenylalanine.
Molecular consequence: missense variant. On other transcripts: intron variant (9).
Genome position (GRCh38, 1-based): chr10:121,565,629, C>A on the plus strand (G>T on the coding strand, the complement: FGFR2 is on the minus strand). VCF-style: chr10-121565629-C-A. GRCh37 (hg19) VCF-style: chr10-123325143-C-A.
Other names: c.185G>T, p.Cys62Phe (NM_001144913.1, NM_001144914.1, NM_001144917.2 and 3 more transcripts); c.110-14170G>T (NM_001144918.2, NM_001441091.1, NM_001441090.1 and 1 more transcripts); c.110-1050G>T (NM_001441089.1, NM_023029.3, NM_001441088.1 and 2 more transcripts); short protein forms C62F.
Identifiers: ClinVar variation 2765919 (VCV002765919.4), dbSNP rs1468387033, ClinGen allele CA378325419.

ClinVar aggregate classification (germline): Uncertain significance. Review status: criteria provided, multiple submitters, no conflicts (2 of 4 stars). 2 submissions from 2 submitters: Uncertain significance (2). Last evaluated 2024-10-03.

Conditions:
FGFR2-related craniosynostosis. Identifiers: MedGen CN231480.

Submissions (2):

Labcorp Genetics (formerly Invitae), Labcorp
Classification: Uncertain significance for FGFR2-related craniosynostosis. Last evaluated: 2024-10-03. Review status: criteria provided, single submitter. Criteria: Invitae Variant Classification Sherloc (09022015). Collection method: clinical testing. Allele origin: germline.
Comment: This sequence change replaces cysteine, which is neutral and slightly polar, with phenylalanine, which is neutral and non-polar, at codon 62 of the FGFR2 protein (p.Cys62Phe). This variant is not present in population databases (gnomAD no frequency). This variant has not been reported in the literature in individuals affected with FGFR2-related conditions. Invitae Evidence Modeling of protein sequence and biophysical properties (such as structural, functional, and spatial information, amino acid conservation, physicochemical variation, residue mobility, and thermodynamic stability) has been performed for this missense variant. However, the output from this modeling did not meet the statistical confidence thresholds required to predict the impact of this variant on FGFR2 protein function. This variant disrupts the p.Cys62 amino acid residue in FGFR2. Other variant(s) that disrupt this residue have been determined to be pathogenic (PMID: 22117175). This suggests that this residue is clinically significant, and that variants that disrupt this residue are likely to be disease-causing. In summary, the available evidence is currently insufficient to determine the role of this variant in disease. Therefore, it has been classified as a Variant of Uncertain Significance.

Blueprint Genetics
Classification: Uncertain significance. Last evaluated: 2020-06-09. Review status: criteria provided, single submitter. Criteria: ACMG Guidelines, 2015. Collection method: clinical testing. Allele origin: germline.

Literature cited by the submitters: PubMed 22117175 (cited by Labcorp Genetics (formerly Invitae), Labcorp).